The following is an entry in ClinVar:

NM_024757.5(EHMT1):c.3532G>A (p.Asp1178Asn)

Gene: EHMT1 (euchromatic histone lysine methyltransferase 1; plus strand). Cytogenetic location: 9q34.3.
Variant type: single nucleotide variant.
Coding change: c.3532G>A on transcript NM_024757.5 (MANE Select); coding-DNA position 3532, G replaced by A.
Protein change: p.Asp1178Asn; replaces aspartic acid 1178 with asparagine.
Molecular consequence: missense variant.
Genome position (GRCh38, 1-based): chr9:137,818,130, G>A. VCF-style: chr9-137818130-G-A. GRCh37 (hg19) VCF-style: chr9-140712582-G-A.
Other names: c.3511G>A, p.Asp1171Asn (NM_001354263.2); short protein forms D1178N, D1171N.
Identifiers: ClinVar variation 839287 (VCV000839287.12), dbSNP rs371824384, ClinGen allele CA201800362.
Genomic context (GRCh38, chr9:137,818,130, plus strand): 5'-GAGCTGATTTCAGACTCAGAAGCCGACGTTCGAGAGGAAGATTCTTACCTCTTTGATCTC[G>A]ACAATAAGGTAATGTGTTTTGTGGGGTTGGGGCCACGCAGAACTTGTGAACTGTAAAACC-3'
Protein context (NP_079033.4, residues 1168-1188): REEDSYLFDL[Asp1178Asn]NKDGEVYCID

ClinVar aggregate classification (germline): Uncertain significance. Review status: criteria provided, multiple submitters, no conflicts (2 of 4 stars). 4 submissions from 4 submitters: Uncertain significance (4). Last evaluated 2025-07-16.

Conditions:
Kleefstra syndrome 1 (KLEFS1). Identifiers: Orphanet 261494, MedGen C0795833, MONDO:0027407, OMIM 610253.
Inborn genetic diseases. Identifiers: MedGen C0950123, MeSH D030342.

Allele frequency attached by ClinVar (database versions not stated): gnomAD 0.00003 and 0.00004; gnomAD exomes 0.00001; TOPMed 0.00003; ESP Exome Variant Server 0.00008.
gnomAD v4.1: 13 of 1,613,994 alleles (0.00081%); highest among the groups gnomAD compares: African/African-American, 0.013%; no homozygotes.

Submissions (4):

Labcorp Genetics (formerly Invitae), Labcorp
Classification: Uncertain significance for Kleefstra syndrome 1. Last evaluated: 2025-07-16. Review status: criteria provided, single submitter. Criteria: Invitae Variant Classification Sherloc (09022015). Collection method: clinical testing. Allele origin: germline.
Comment: This sequence change replaces aspartic acid, which is acidic and polar, with asparagine, which is neutral and polar, at codon 1178 of the EHMT1 protein (p.Asp1178Asn). This variant is not present in population databases (gnomAD no frequency). This variant has not been reported in the literature in individuals affected with EHMT1-related conditions. ClinVar contains an entry for this variant (Variation ID: 839287). Invitae Evidence Modeling of protein sequence and biophysical properties (such as structural, functional, and spatial information, amino acid conservation, physicochemical variation, residue mobility, and thermodynamic stability) indicates that this missense variant is not expected to disrupt EHMT1 protein function with a negative predictive value of 80%. In summary, the available evidence is currently insufficient to determine the role of this variant in disease. Therefore, it has been classified as a Variant of Uncertain Significance.

GeneDx
Classification: Uncertain significance. Last evaluated: 2024-10-31. Review status: criteria provided, single submitter. Criteria: GeneDx Variant Classification Process June 2021. Collection method: clinical testing. Allele origin: germline.
Comment: In silico analysis supports that this missense variant has a deleterious effect on protein structure/function; Has not been previously published as pathogenic or benign to our knowledge

Ambry Genetics
Classification: Uncertain significance for Inborn genetic diseases. Last evaluated: 2021-11-12. Review status: criteria provided, single submitter. Criteria: Ambry Variant Classification Scheme 2023. Collection method: clinical testing. Allele origin: germline.

New York Genome Center
Classification: Uncertain significance for Kleefstra syndrome 1. Last evaluated: 2021-04-30. Review status: criteria provided, single submitter. Criteria: NYGC Assertion Criteria 2020. Collection method: clinical testing. Allele origin: inherited. Observed: 1 heterozygote. Study: CSER-NYCKidSeq.